The following is an entry in ClinVar:

ClinVar aggregate classification (germline): Conflicting classifications of pathogenicity. Review status: criteria provided, conflicting classifications (1 of 4 stars). 2 submissions from 2 submitters: Uncertain significance (1); Likely benign (1). Last evaluated 2024-06-01.

Allele frequency attached by ClinVar (database versions not stated): gnomAD 0.00001; gnomAD exomes 0.00001; ExAC 0.00002; TOPMed 0.00002.
gnomAD v4.1: 19 of 1,611,336 alleles (0.0012%); highest among the groups gnomAD compares: Admixed American, 0.015%; no homozygotes.

Submissions (2):

CeGaT Center for Human Genetics Tuebingen
Classification: Likely benign. Last evaluated: 2024-06-01. Review status: criteria provided, single submitter. Criteria: CeGaT Center For Human Genetics Tuebingen Variant Classification Criteria Version 2. Collection method: clinical testing. Allele origin: germline. Affected: yes. Observed: 1 variant allele.
Comment: GPD2: BP4

Ambry Genetics
Classification: Uncertain significance. Last evaluated: 2023-12-28. Review status: criteria provided, single submitter. Criteria: Ambry Variant Classification Scheme 2023. Collection method: clinical testing. Allele origin: germline.

NM_000408.5(GPD2):c.1495G>A (p.Ala499Thr)

Gene: GPD2 (glycerol-3-phosphate dehydrogenase 2; plus strand). Cytogenetic location: 2q24.1.
Variant type: single nucleotide variant.
Coding change: c.1495G>A on transcript NM_000408.5 (MANE Select); coding-DNA position 1495, G replaced by A.
Protein change: p.Ala499Thr; replaces alanine 499 with threonine.
Molecular consequence: missense variant.
Genome position (GRCh38, 1-based): chr2:156,570,105, G>A. VCF-style: chr2-156570105-G-A. GRCh37 (hg19) VCF-style: chr2-157426617-G-A.
Other names: c.1495G>A, p.Ala499Thr (NM_001083112.3); short protein forms A499T.
Identifiers: ClinVar variation 3101285 (VCV003101285.19), dbSNP rs759884526, ClinGen allele CA1917021.